The following is an entry in ClinVar:

ClinVar aggregate classification (germline): Pathogenic. Review status: criteria provided, multiple submitters, no conflicts (2 of 4 stars). 2 submissions from 2 submitters: Pathogenic (2). Last evaluated 2026-09-13.

Conditions:
Familial focal epilepsy with variable foci (FPEVF). Identifiers: Orphanet 98820, MedGen C1858477, MONDO:0020310.

gnomAD v4.1: 1 of 1,614,150 alleles (0.000062%); highest among the groups gnomAD compares: African/African-American, 0.0013%; no homozygotes.

Submissions (2):

GeneDx
Classification: Pathogenic. Last evaluated: 2026-09-13. Review status: criteria provided, single submitter. Criteria: GeneDx Variant Classification Process June 2021. Collection method: clinical testing. Allele origin: germline.
Comment: Nonsense variant predicted to result in protein truncation or nonsense mediated decay in a gene for which loss of function is a known mechanism of disease; Identified in an individual with epilepsy in the published literature (PMID: 31440721); Not observed at significant frequency in large population cohorts (gnomAD); This variant is associated with the following publications: (PMID: 31440721)

Labcorp Genetics (formerly Invitae), Labcorp
Classification: Pathogenic for Familial focal epilepsy with variable foci. Last evaluated: 2023-10-13. Review status: criteria provided, single submitter. Criteria: Invitae Variant Classification Sherloc (09022015). Collection method: clinical testing. Allele origin: germline.
Comment: This sequence change creates a premature translational stop signal (p.Tyr775*) in the DEPDC5 gene. It is expected to result in an absent or disrupted protein product. Loss-of-function variants in DEPDC5 are known to be pathogenic (PMID: 23542697, 23542701). This variant is not present in population databases (gnomAD no frequency). This variant has not been reported in the literature in individuals affected with DEPDC5-related conditions. ClinVar contains an entry for this variant (Variation ID: 571591). For these reasons, this variant has been classified as Pathogenic.

Literature cited by the submitters: PubMed 23542697 (cited by Labcorp Genetics (formerly Invitae), Labcorp); PubMed 23542701 (cited by Labcorp Genetics (formerly Invitae), Labcorp).

NM_001242896.3(DEPDC5):c.2325T>A (p.Tyr775Ter)

Gene: DEPDC5 (DEP domain containing 5, GATOR1 subcomplex subunit; plus strand). Cytogenetic location: 22q12.3.
Variant type: single nucleotide variant.
Coding change: c.2325T>A on transcript NM_001242896.3 (MANE Select); coding-DNA position 2325, T replaced by A.
Protein change: p.Tyr775Ter; replaces tyrosine 775 with a stop codon.
Molecular consequence: nonsense. On other transcripts: non-coding transcript variant (5).
Genome position (GRCh38, 1-based): chr22:31,837,126, T>A. VCF-style: chr22-31837126-T-A. GRCh37 (hg19) VCF-style: chr22-32233112-T-A.
Other names: c.2298T>A, p.Tyr766Ter (NM_001136029.4, NM_001369903.1, NM_014662.6); c.2091T>A, p.Tyr697Ter (NM_001242897.2, NM_001363854.2, NM_001364319.2); c.2325T>A, p.Tyr775Ter (NM_001363852.2, NM_001364318.2, NM_001364320.2); c.2241T>A, p.Tyr747Ter (NM_001369901.1, NM_001369902.1); short protein forms Y697*, Y775*, Y766*, Y747*.
Identifiers: ClinVar variation 571591 (VCV000571591.11), dbSNP rs374158137, ClinGen allele CA411285787.
Genomic context (GRCh38, chr22:31,837,126, plus strand): 5'-TACCACCGACTACTTCCCTGACCGCCAGGGCCTGCAGAATGACTACACAGAGGGCTGTTA[T>A]GATCTCCTTCCAGAAGCAGACATCGACAGGTCAGTGTCAGAGAAAAAGGCACTTGGCTTG-3'